The following is an entry in ClinVar:

ClinVar aggregate classification (germline): Pathogenic (1 of 4 stars; one submission).

Conditions:
Osteogenesis imperfecta, perinatal lethal (OI2). Also called: OI, TYPE II; OSTEOGENESIS IMPERFECTA CONGENITA; VROLIK TYPE OF OSTEOGENESIS IMPERFECTA; OSTEOGENESIS IMPERFECTA, TYPE II; Osteogenesis imperfecta, dominant perinatal lethal; Osteogenesis imperfecta type 2. Identifiers: Orphanet 216804, MedGen C0268358, MONDO:0008147, OMIM 166210.
Osteogenesis imperfecta type III (OI3). Also called: Progressively Deforming Osteogenesis Imperfecta; Osteogenesis imperfecta type 3; OI type 3; Osteogenesis imperfecta, progressively deforming with normal sclerae; OI type III. Identifiers: Orphanet 216812, Orphanet 666, MedGen C0268362, MONDO:0009804, OMIM 259420.
Osteogenesis imperfecta type I (OI1). Also called: OI, TYPE I; OSTEOGENESIS IMPERFECTA TARDA; OSTEOGENESIS IMPERFECTA WITH BLUE SCLERAE; Lobstein's Disease; Osteogenesis imperfecta type 1; Classic Non-deforming Osteogenesis Imperfecta with Blue Sclerae. Identifiers: Orphanet 216796, Orphanet 666, MedGen C0023931, MONDO:0008146, OMIM 166200. Disease mechanism: loss of function.
Osteogenesis imperfecta with normal sclerae, dominant form (OI4). Also called: OSTEOGENESIS IMPERFECTA WITH NORMAL SCLERAE; Osteogenesis imperfecta type 4; Common Variable Osteogenesis Imperfecta with Normal Sclerae; OSTEOGENESIS IMPERFECTA, TYPE IV, WITH DENTINOGENESIS IMPERFECTA; Osteogenesis Imperfecta Type IV. Identifiers: Orphanet 216820, Orphanet 666, MedGen C0268363, MONDO:0008148, OMIM 166220.

Submission:

Juno Genomics, Hangzhou Juno Genomics, Inc
Classification: Pathogenic for Osteogenesis imperfecta type I; Osteogenesis imperfecta, perinatal lethal; Osteogenesis imperfecta type III; Osteogenesis imperfecta with normal sclerae, dominant form. Review status: criteria provided, single submitter. Criteria: ACMG Guidelines, 2015. Collection method: clinical testing. Allele origin: germline. Affected: yes.
Comment: Absent from controls (or at extremely low frequency if recessive) in Genome Aggregation Database, Exome Sequencing Project, 1000 Genomes Project, or Exome Aggregation Consortium.;De novo (both maternity and paternity confirmed) in a patient with the disease and no family history.;Multiple lines of computational evidence support a deleterious effect on the gene or gene product (conservation, evolutionary, splicing impact, etc).;Missense variant in a gene that has a low rate of benign missense variation and where missense variants are a common mechanism of disease.;Novel missense change at an amino acid residue where a different missense change determined to be pathogenic has been seen before.;The prevalence of the variant in affected individuals is significantly increased compared to the prevalence in controls.

NM_000088.4(COL1A1):c.3226G>C (p.Gly1076Arg)

Gene: COL1A1 (collagen type I alpha 1 chain; minus strand). Cytogenetic location: 17q21.33.
Variant type: single nucleotide variant.
Coding change: c.3226G>C on transcript NM_000088.4 (MANE Select); coding-DNA position 3226, G replaced by C.
Protein change: p.Gly1076Arg; replaces glycine 1076 with arginine.
Molecular consequence: missense variant.
Genome position (GRCh38, 1-based): chr17:50,188,131, C>G on the plus strand (G>C on the coding strand, the complement: COL1A1 is on the minus strand). VCF-style: chr17-50188131-C-G. GRCh37 (hg19) VCF-style: chr17-48265492-C-G.
Other names: short protein forms G1076R.
Identifiers: ClinVar variation 4796591 (VCV004796591.1).